The following is an entry in ClinVar:

NM_014855.3(AP5Z1):c.80G>A (p.Arg27Gln)

Gene: AP5Z1 (adaptor related protein complex 5 subunit zeta 1; plus strand). Cytogenetic location: 7p22.1.
Variant type: single nucleotide variant.
Coding change: c.80G>A on transcript NM_014855.3 (MANE Select); coding-DNA position 80, G replaced by A.
Protein change: p.Arg27Gln; replaces arginine 27 with glutamine.
Molecular consequence: missense variant. On other transcripts: 5 prime UTR variant (1), non-coding transcript variant (1).
Genome position (GRCh38, 1-based): chr7:4,781,213, G>A. VCF-style: chr7-4781213-G-A. GRCh37 (hg19) VCF-style: chr7-4820844-G-A.
Other names: c.-202G>A (NM_001364858.1); c.80G>A (NM_014855.2); short protein forms R27Q.
Identifiers: ClinVar variation 1418025 (VCV001418025.5), dbSNP rs768361738, ClinGen allele CA4137036.
Genomic context (GRCh38, chr7:4,781,213, plus strand): 5'-TGAAGTCCTCTTCTTTGTTTAGGGAGATCCAGGACGAGGAGCTGAAGAAGTTCTGTTCCC[G>A]GATCTGTAAACTGCTGCAGGCGGAGGACTTGGGGCCGGACACCCTCGACTCCCTGCAGAG-3'
Protein context (NP_055670.1, residues 17-37): QDEELKKFCS[Arg27Gln]ICKLLQAEDL

ClinVar aggregate classification (germline): Uncertain significance. Review status: criteria provided, multiple submitters, no conflicts (2 of 4 stars). 2 submissions from 2 submitters: Uncertain significance (2). Last evaluated 2024-05-02.

Conditions:
Inborn genetic diseases. Identifiers: MedGen C0950123, MeSH D030342.
Hereditary spastic paraplegia 48. Also called: SPASTIC PARAPLEGIA 48, AUTOSOMAL RECESSIVE; Spastic paraplegia 48. Identifiers: Orphanet 306511, MedGen C3150901, MONDO:0013342, OMIM 613647.

Submissions (2):

Ambry Genetics
Classification: Uncertain significance for Inborn genetic diseases. Last evaluated: 2024-05-02. Review status: criteria provided, single submitter. Criteria: Ambry Variant Classification Scheme 2023. Collection method: clinical testing. Allele origin: germline.

Labcorp Genetics (formerly Invitae), Labcorp
Classification: Uncertain significance for Hereditary spastic paraplegia 48. Last evaluated: 2021-10-23. Review status: criteria provided, single submitter. Criteria: Invitae Variant Classification Sherloc (09022015). Collection method: clinical testing. Allele origin: germline.
Comment: Algorithms developed to predict the effect of missense changes on protein structure and function (SIFT, PolyPhen-2, Align-GVGD) all suggest that this variant is likely to be disruptive, but these predictions have not been confirmed by published functional studies and their clinical significance is uncertain. In summary, the available evidence is currently insufficient to determine the role of this variant in disease. Therefore, it has been classified as a Variant of Uncertain Significance. Algorithms developed to predict the effect of sequence changes on RNA splicing suggest that this variant may create or strengthen a splice site, but this prediction has not been confirmed by published transcriptional studies. This variant has not been reported in the literature in individuals with AP5Z1-related conditions. The frequency data for this variant in the population databases is considered unreliable, as metrics indicate poor data quality at this position in the ExAC database. This sequence change replaces arginine with glutamine at codon 27 of the AP5Z1 protein (p.Arg27Gln). The arginine residue is highly conserved and there is a small physicochemical difference between arginine and glutamine.